The following is an entry in ClinVar:

ClinVar aggregate classification (germline): Uncertain significance (1 of 4 stars; one submission).

Conditions:
Hereditary cancer-predisposing syndrome. Also called: Neoplastic Syndromes, Hereditary; Hereditary Cancer Syndrome; Tumor predisposition; Hereditary neoplastic syndrome. Identifiers: Orphanet 140162, MedGen C0027672, MeSH D009386, MONDO:0015356.

Submission:

Ambry Genetics
Classification: Uncertain significance for Hereditary cancer-predisposing syndrome. Last evaluated: 2025-02-07. Review status: criteria provided, single submitter. Criteria: Ambry Variant Classification Scheme 2023. Collection method: clinical testing. Allele origin: germline.
Comment: The p.D1305G variant (also known as c.3914A>G), located in coding exon 23 of the PTCH1 gene, results from an A to G substitution at nucleotide position 3914. The aspartic acid at codon 1305 is replaced by glycine, an amino acid with similar properties. This amino acid position is conserved. In addition, the in silico prediction for this alteration is inconclusive. Based on the available evidence, the clinical significance of this variant remains unclear.

NM_000264.5(PTCH1):c.3914A>G (p.Asp1305Gly)

Gene: PTCH1 (patched 1; minus strand). Cytogenetic location: 9q22.32.
Variant type: single nucleotide variant.
Coding change: c.3914A>G on transcript NM_000264.5 (MANE Select); coding-DNA position 3914, A replaced by G.
Protein change: p.Asp1305Gly; replaces aspartic acid 1305 with glycine.
Molecular consequence: missense variant. On other transcripts: non-coding transcript variant (1).
Genome position (GRCh38, 1-based): chr9:95,447,342, T>C on the plus strand (A>G on the coding strand, the complement: PTCH1 is on the minus strand). VCF-style: chr9-95447342-T-C. GRCh37 (hg19) VCF-style: chr9-98209624-T-C.
Other names: c.3716A>G, p.Asp1239Gly (NM_001083602.3); c.3911A>G, p.Asp1304Gly (NM_001083603.3); c.3461A>G, p.Asp1154Gly (NM_001083604.3, NM_001083605.3, NM_001083606.3 and 1 more transcripts); c.3758A>G, p.Asp1253Gly (NM_001354918.2); short protein forms D1154G, D1253G, D1304G, D1305G, D1239G.
Identifiers: ClinVar variation 3784658 (VCV003784658.1).